The following is an entry in ClinVar:

NM_001170535.3(ATAD3A):c.1639G>A (p.Gly547Arg)

Gene: ATAD3A (ATPase family AAA domain containing 3A; plus strand). Cytogenetic location: 1p36.33.
Variant type: single nucleotide variant.
Coding change: c.1639G>A on transcript NM_001170535.3 (MANE Select); coding-DNA position 1639, G replaced by A.
Protein change: p.Gly547Arg; replaces glycine 547 with arginine.
Molecular consequence: missense variant.
Genome position (GRCh38, 1-based): chr1:1,533,950, G>A. VCF-style: chr1-1533950-G-A. GRCh37 (hg19) VCF-style: chr1-1469330-G-A.
Other names: c.1402G>A, p.Gly468Arg (NM_001170536.3); c.1783G>A, p.Gly595Arg (NM_018188.5); short protein forms G468R, G547R, G595R.
Identifiers: ClinVar variation 4076643 (VCV004076643.1).
Genomic context (GRCh38, chr1:1,533,950, plus strand): 5'-ATGGCGGCCTCCCTCAGCTGCCTCTCTCCCCACTAGGCCACGGCGTATGCCTCCGAGGAC[G>A]GGGTCCTGACCGAGGCCATGATGGACACCCGCGTGCAAGATGCTGTCCAGCAGCACCAGC-3'
Protein context (NP_001164006.1, residues 537-557): WQATAYASED[Gly547Arg]VLTEAMMDTR

ClinVar aggregate classification (germline): Uncertain significance (1 of 4 stars; one submission).

Submission:

GeneDx
Classification: Uncertain significance. Last evaluated: 2025-02-19. Review status: criteria provided, single submitter. Criteria: GeneDx Variant Classification Process June 2021. Collection method: clinical testing. Allele origin: germline. Affected: yes.
Comment: De novo variant with confirmed parentage in a patient in published literature from a cohort of individuals with autism spectrum disorder; however, detailed clinical information was not provided (PMID: 35982160); In silico analysis supports that this missense variant has a deleterious effect on protein structure/function; This variant is associated with the following publications: (PMID: 35982159, 35982160)